The following is an entry in ClinVar:

ClinVar aggregate classification (germline): Pathogenic/Likely pathogenic. Review status: criteria provided, multiple submitters, no conflicts (2 of 4 stars). 6 submissions from 6 submitters: Pathogenic (3); Likely pathogenic (3). Last evaluated 2026-01-07.

Conditions:
Adult hypophosphatasia. Identifiers: Orphanet 247676, Orphanet 436, MedGen C0268413, MONDO:1010154, OMIM 146300, MONDO:0007798.
Childhood hypophosphatasia. Identifiers: Orphanet 247667, Orphanet 436, MedGen C0220743, MONDO:1010168, OMIM 241510, MONDO:0009428.
Infantile hypophosphatasia. Identifiers: Orphanet 247651, Orphanet 436, MedGen C0268412, MONDO:1010169, OMIM 241500, MONDO:0009427.
Hypophosphatasia. Also called: Phosphoethanol-aminuria. Identifiers: Orphanet 436, MedGen C0020630, MeSH D007014, MONDO:0018570.

Allele frequency attached by ClinVar (database versions not stated): TOPMed below 0.00001; ExAC 0.00001; gnomAD 0.00001; gnomAD exomes 0.00001 and 0.00002.

Submissions (6):

Natera, Inc.
Classification: Likely pathogenic for Hypophosphatasia. Last evaluated: 2026-01-07. Review status: criteria provided, single submitter. Criteria: Natera Variant Classification Schema (03/2026). Collection method: clinical testing. Allele origin: germline.
Comment: The c.1183A>G variant in ALPL is a missense variant predicted to cause substitution of isoleucine to valine at amino acid 395. This variant is rare in the general population with a frequency below the threshold expected for the associated phenotype(s). This variant has been observed in one or more individuals affected with the associated recessive disease, as either homozygous or compound heterozygous with a second variant (PMID: 31641588). Additionally, this variant has been observed to segregate in affected family members (PMID: 31641588). Functional studies show that this variant may disrupt protein function (PMID: 28586049). A different variant at the same position has been determined to be Pathogenic or Likely Pathogenic. Given the available evidence, this variant is classified as Likely Pathogenic.

Labcorp Genetics (formerly Invitae), Labcorp
Classification: Pathogenic. Last evaluated: 2025-11-26. Review status: criteria provided, single submitter. Criteria: Invitae Variant Classification Sherloc (09022015). Collection method: clinical testing. Allele origin: germline.
Comment: This sequence change replaces isoleucine, which is neutral and non-polar, with valine, which is neutral and non-polar, at codon 395 of the ALPL protein (p.Ile395Val). This variant is present in population databases (rs772682471, gnomAD 0.01%). This missense change has been observed in individual(s) with hypophosphatasia (PMID: 21713987, 31641588). ClinVar contains an entry for this variant (Variation ID: 1452498). Invitae Evidence Modeling of protein sequence and biophysical properties (such as structural, functional, and spatial information, amino acid conservation, physicochemical variation, residue mobility, and thermodynamic stability) indicates that this missense variant is expected to disrupt ALPL protein function with a positive predictive value of 95%. Experimental studies have shown that this missense change affects ALPL function (PMID: 28586049). For these reasons, this variant has been classified as Pathogenic.

Genomenon, Inc
Classification: Pathogenic for Hypophosphatasia. Last evaluated: 2025-08-29. Review status: criteria provided, single submitter. Criteria: Genomenon Sequence Variant Interpretation Standards. Collection method: curation. Allele origin: germline. Affected: yes.
Comment: ALPL p.Ile395Val (c.1183A>G) is a missense variant that changes the amino acid at residue 395 from Isoleucine to Valine. This variant has been observed in at least one proband affected with hypophosphatasia (PMID:28586049;31641588). The variant was found to segregate with disease in at least one affected family (PMID:31641588). At least one functional study has demonstrated a substantial alteration in protein function relative to the wild-type (PMID:28586049). It is absent or not present at a significant frequency in gnomAD. In silico models agree that this variant is possibly or probably damaging. In conclusion, we classify ALPL p.Ile395Val (c.1183A>G) as a pathogenic variant.

Baylor Genetics
Classification: Likely pathogenic for Adult hypophosphatasia. Last evaluated: 2024-03-19. Review status: criteria provided, single submitter. Criteria: ACMG Guidelines, 2015. Collection method: clinical testing. Allele origin: unknown.

Women's Health and Genetics/Laboratory Corporation of America, LabCorp
Classification: Pathogenic for Hypophosphatasia. Last evaluated: 2023-03-31. Review status: criteria provided, single submitter. Criteria: LabCorp Variant Classification Summary - May 2015. Collection method: clinical testing. Allele origin: germline.
Comment: Variant summary: ALPL c.1183A>G (p.Ile395Val) results in a conservative amino acid change in the encoded protein sequence. Three of five in-silico tools predict a benign effect of the variant on protein function. The variant allele was found at a frequency of 2e-05 in 251452 control chromosomes (gnomAD). c.1183A>G has been reported in the literature in individuals affected with Hypophosphatasia, Autosomal Recessive (Wenkert_2011, Chen_2017, Yokoi_2019). These data indicate that the variant is likely to be associated with disease. Experimental evidence evaluating an impact on protein function demonstrated the variant affects ALP activity (Chen_2017). Two clinical diagnostic laboratories have submitted clinical-significance assessments for this variant to ClinVar after 2014 and classified the variant as pathogenic/likely pathogenic. Based on the evidence outlined above, the variant was classified as pathogenic.

Fulgent Genetics
Classification: Likely pathogenic for Adult hypophosphatasia; Infantile hypophosphatasia; Childhood hypophosphatasia. Last evaluated: 2021-07-29. Review status: criteria provided, single submitter. Criteria: ACMG Guidelines, 2015. Collection method: clinical testing. Allele origin: unknown.

Literature cited by the submitters: PubMed 31641588 (cited by 4 submitters); PubMed 28586049 (cited by 4 submitters); PubMed 21713987 (cited by Labcorp Genetics (formerly Invitae), Labcorp and Women's Health and Genetics/Laboratory Corporation of America, LabCorp).

NM_000478.6(ALPL):c.1183A>G (p.Ile395Val)

Gene: ALPL (alkaline phosphatase, biomineralization associated; plus strand). Cytogenetic location: 1p36.12.
Variant type: single nucleotide variant.
Coding change: c.1183A>G on transcript NM_000478.6 (MANE Select); coding-DNA position 1183, A replaced by G.
Protein change: p.Ile395Val; replaces isoleucine 395 with valine.
Molecular consequence: missense variant.
Genome position (GRCh38, 1-based): chr1:21,575,918, A>G. VCF-style: chr1-21575918-A-G. GRCh37 (hg19) VCF-style: chr1-21902411-A-G.
Other names: c.1018A>G, p.Ile340Val (NM_001127501.4); c.952A>G, p.Ile318Val (NM_001177520.3); c.1183A>G, p.Ile395Val (NM_001369803.2, NM_001369804.2, NM_001369805.2); c.1183A>G (NM_000478.5); short protein forms I395V, I318V, I340V.
Identifiers: ClinVar variation 1452498 (VCV001452498.13), dbSNP rs772682471, ClinGen allele CA666751.
Genomic context (GRCh38, chr1:21,575,918, plus strand): 5'-GTCACTGCGGACCATTCCCACGTCTTCACATTTGGTGGATACACCCCCCGTGGCAACTCT[A>G]TCTTTGGTAGGTGGGCCTTCTTTGGGGTGGACACTCCTGGGGTCTCCTGTCTACCCACCT-3'
Protein context (NP_000469.3, residues 385-405): FGGYTPRGNS[Ile395Val]FGLAPMLSDT